The following is an entry in ClinVar:

NM_007294.4(BRCA1):c.1650T>C (p.Asn550=)

Gene: BRCA1 (BRCA1 DNA repair associated; minus strand). Cytogenetic location: 17q21.31.
Variant type: single nucleotide variant.
Coding change: c.1650T>C on transcript NM_007294.4 (MANE Select); coding-DNA position 1650, T replaced by C.
Protein change: p.Asn550=; no amino-acid change (asparagine 550 retained).
Molecular consequence: synonymous variant. On other transcripts: intron variant (137).
Genome position (GRCh38, 1-based): chr17:43,093,881, A>G on the plus strand (T>C on the coding strand, the complement: BRCA1 is on the minus strand). VCF-style: chr17-43093881-A-G. GRCh37 (hg19) VCF-style: chr17-41245898-A-G.
Other names: c.1650T>C, p.Asn550= (NM_001407641.1, NM_001407642.1, NM_001407652.1 and 30 more transcripts); c.1647T>C, p.Asn549= (NM_001407644.1, NM_001407645.1, NM_001407860.1 and 22 more transcripts); c.1641T>C, p.Asn547= (NM_001407646.1, NM_001407647.1); c.1527T>C, p.Asn509= (NM_001407648.1, NM_001407664.1, NM_001407665.1 and 19 more transcripts); c.1524T>C, p.Asn508= (NM_001407649.1, NM_001407670.1, NM_001407671.1 and 11 more transcripts); c.1572T>C, p.Asn524= (NM_001407653.1, NM_001407654.1, NM_001407655.1 and 4 more transcripts); c.1569T>C, p.Asn523= (NM_001407659.1, NM_001407660.1, NM_001407661.1 and 1 more transcripts); c.1509T>C, p.Asn503= (NM_001407692.1, NM_001407694.1, NM_001407695.1 and 29 more transcripts); and 40 more.
Identifiers: ClinVar variation 427340 (VCV000427340.19), dbSNP rs777595821, ClinGen allele CA057424.
Genomic context (GRCh38, chr17:43,093,881, plus strand): 5'-TGGGTTAGGATTTTTCTCATTCTGAATAGAATCACCTTTTGTTTTATTCTCATGACCACT[A>G]TTAGTAATATTCATCACTTGACCATTCTGCTCCGTTTGGTTAGTTCCCTGATTTATCATT-3'
Protein context (NP_009225.1, residues 540-560): EQNGQVMNIT[Asn550=]SGHENKTKGD

ClinVar aggregate classification (germline): Likely benign. Review status: reviewed by expert panel (3 of 4 stars). 5 submissions from 5 submitters: Likely benign (1). 4 of the submissions do not count toward it. Last evaluated 2017-06-29.

Conditions:
Hereditary cancer-predisposing syndrome. Also called: Neoplastic Syndromes, Hereditary; Hereditary neoplastic syndrome; Tumor predisposition; Hereditary Cancer Syndrome. Identifiers: Orphanet 140162, MedGen C0027672, MeSH D009386, MONDO:0015356.
Hereditary breast ovarian cancer syndrome. Also called: Hereditary breast and ovarian cancer syndrome (HBOC); BRCA1- and BRCA2-Associated Hereditary Breast and Ovarian Cancer; Hereditary breast and/or ovarian cancer syndrome; Hereditary breast and ovarian cancer syndrome; Hereditary breast and ovarian cancer; Breast and ovarian cancer. Identifiers: Orphanet 145, MedGen C0677776, MeSH D061325, MONDO:0003582. Disease mechanism: loss of function.
Breast-ovarian cancer, familial, susceptibility to, 1 (BROVCA1). Also called: BRCA1 Hereditary Breast and Ovarian Cancer; OVARIAN CANCER, SUSCEPTIBILITY TO. Identifiers: Orphanet 145, MedGen C2676676, MONDO:0011450, OMIM 604370. Disease mechanism: loss of function.

Allele frequency attached by ClinVar (database versions not stated): gnomAD exomes below 0.00001; ExAC 0.00001.
gnomAD v4.1: 5 of 1,613,836 alleles (0.00031%); highest among the groups gnomAD compares: South Asian, 0.0055%; no homozygotes.

Submissions (5):

Evidence-based Network for the Interpretation of Germline Mutant Alleles (ENIGMA)
Classification: Likely benign for Breast-ovarian cancer, familial, susceptibility to, 1. Last evaluated: 2017-06-29. Review status: reviewed by expert panel. Criteria: ENIGMA BRCA1/2 Classification Criteria (2017-06-29). Collection method: curation. Allele origin: germline.
Comment: Synonymous substitution variant, with low bioinformatic likelihood to result in a splicing aberration (Splicing prior probability 0.02).

Labcorp Genetics (formerly Invitae), Labcorp
Classification: Likely benign for Hereditary breast ovarian cancer syndrome. Last evaluated: 2025-12-16. Review status: criteria provided, single submitter. Criteria: Invitae Variant Classification Sherloc (09022015). Collection method: clinical testing. Allele origin: germline. Not counted in ClinVar's aggregate classification.

Blueprint Genetics
Classification: Likely benign. Last evaluated: 2023-03-24. Review status: criteria provided, single submitter. Criteria: ACMG Guidelines, 2015. Collection method: clinical testing. Allele origin: germline. Not counted in ClinVar's aggregate classification.

Ambry Genetics
Classification: Likely benign for Hereditary cancer-predisposing syndrome. Last evaluated: 2019-10-21. Review status: criteria provided, single submitter. Criteria: Ambry Variant Classification Scheme 2023. Collection method: clinical testing. Allele origin: germline. Not counted in ClinVar's aggregate classification.

Color Diagnostics, LLC DBA Color Health
Classification: Likely benign for Hereditary cancer-predisposing syndrome. Last evaluated: 2017-12-19. Review status: criteria provided, single submitter. Criteria: ACMG Guidelines, 2015. Collection method: clinical testing. Allele origin: germline. Not counted in ClinVar's aggregate classification.